The following is an entry in ClinVar:

ClinVar aggregate classification (germline): Uncertain significance (1 of 4 stars; one submission).

Conditions:
Ataxia-telangiectasia syndrome (AT). Also called: Cerebello-oculocutaneous telangiectasia; Immunodeficiency with ataxia telangiectasia; Ataxia-telangiectasia, complementation group D; Ataxia telangiectasia (A-T); ATAXIA-TELANGIECTASIA, COMPLEMENTATION GROUP A; ATAXIA-TELANGIECTASIA, FRESNO VARIANT. Identifiers: Orphanet 100, MedGen C0004135, MONDO:0008840, OMIM 208900.

Submission:

Labcorp Genetics (formerly Invitae), Labcorp
Classification: Uncertain significance for Ataxia-telangiectasia syndrome. Last evaluated: 2022-05-03. Review status: criteria provided, single submitter. Criteria: Invitae Variant Classification Sherloc (09022015). Collection method: clinical testing. Allele origin: germline.
Comment: In summary, the available evidence is currently insufficient to determine the role of this variant in disease. Therefore, it has been classified as a Variant of Uncertain Significance. Advanced modeling of protein sequence and biophysical properties (such as structural, functional, and spatial information, amino acid conservation, physicochemical variation, residue mobility, and thermodynamic stability) performed at Invitae indicates that this missense variant is not expected to disrupt ATM protein function. This variant has not been reported in the literature in individuals affected with ATM-related conditions. This variant is not present in population databases (gnomAD no frequency). This sequence change replaces isoleucine, which is neutral and non-polar, with leucine, which is neutral and non-polar, at codon 1158 of the ATM protein (p.Ile1158Leu).

NM_000051.4(ATM):c.3472A>T (p.Ile1158Leu)

Gene: ATM (ATM serine/threonine kinase; plus strand). Cytogenetic location: 11q22.3.
Variant type: single nucleotide variant.
Coding change: c.3472A>T on transcript NM_000051.4 (MANE Select); coding-DNA position 3472, A replaced by T.
Protein change: p.Ile1158Leu; replaces isoleucine 1158 with leucine.
Molecular consequence: missense variant.
Genome position (GRCh38, 1-based): chr11:108,281,064, A>T. VCF-style: chr11-108281064-A-T. GRCh37 (hg19) VCF-style: chr11-108151791-A-T.
Other names: c.3472A>T, p.Ile1158Leu (NM_001351834.2); short protein forms I1158L.
Identifiers: ClinVar variation 2133292 (VCV002133292.4), dbSNP rs2135667274, ClinGen allele CA382519464.